The following is an entry in ClinVar:

NM_005660.3(SLC35A2):c.194T>C (p.Phe65Ser)

Gene: SLC35A2 (solute carrier family 35 member A2; minus strand). Cytogenetic location: Xp11.23.
Variant type: single nucleotide variant.
Coding change: c.194T>C on transcript NM_005660.3 (MANE Select); coding-DNA position 194, T replaced by C.
Protein change: p.Phe65Ser; replaces phenylalanine 65 with serine.
Molecular consequence: missense variant. On other transcripts: intron variant (1).
Genome position (GRCh38, 1-based): chrX:48,909,894, A>G on the plus strand (T>C on the coding strand, the complement: SLC35A2 is on the minus strand). VCF-style: chrX-48909894-A-G. GRCh37 (hg19) VCF-style: chrX-48767171-A-G.
Other names: c.194T>C, p.Phe65Ser (NM_001032289.3, NM_001042498.3, NM_001282647.2); c.122T>C, p.Phe41Ser (NM_001282648.2); c.233T>C, p.Phe78Ser (NM_001282650.2); c.278T>C, p.Phe93Ser (NM_001282651.2); c.91+1652T>C (NM_001282649.2); short protein forms F41S, F78S, F93S, F65S.
Identifiers: ClinVar variation 1478484 (VCV001478484.6), dbSNP rs2147496567, ClinGen allele CA412897751.

ClinVar aggregate classification (germline): Uncertain significance (1 of 4 stars; one submission).

Conditions:
SLC35A2-congenital disorder of glycosylation. Also called: SLC35A2-CDG; DEVELOPMENTAL AND EPILEPTIC ENCEPHALOPATHY 22; CONGENITAL DISORDER OF GLYCOSYLATION, TYPE IIm; CDG IIm; CONGENITAL DISORDER OF GLYCOSYLATION, TYPE IIm, SOMATIC MOSAIC; EPILEPTIC ENCEPHALOPATHY, EARLY INFANTILE, 22. Identifiers: Orphanet 356961, MedGen C3806688, MONDO:0010478, OMIM 300896.

Submission:

Labcorp Genetics (formerly Invitae), Labcorp
Classification: Uncertain significance for SLC35A2-congenital disorder of glycosylation. Last evaluated: 2021-09-09. Review status: criteria provided, single submitter. Criteria: Invitae Variant Classification Sherloc (09022015). Collection method: clinical testing. Allele origin: germline.
Comment: In summary, the available evidence is currently insufficient to determine the role of this variant in disease. Therefore, it has been classified as a Variant of Uncertain Significance. This variant disrupts the p.Phe65 amino acid residue in SLC35A2. Other variant(s) that disrupt this residue have been determined to be pathogenic (PMID: 30194038). This suggests that this residue is clinically significant, and that variants that disrupt this residue are likely to be disease-causing. Algorithms developed to predict the effect of missense changes on protein structure and function are either unavailable or do not agree on the potential impact of this missense change (SIFT: "Deleterious"; PolyPhen-2: "Probably Damaging"; Align-GVGD: "Class C0"). This variant has not been reported in the literature in individuals affected with SLC35A2-related conditions. This variant is not present in population databases (ExAC no frequency). This sequence change replaces phenylalanine with serine at codon 65 of the SLC35A2 protein (p.Phe65Ser). The phenylalanine residue is highly conserved and there is a large physicochemical difference between phenylalanine and serine.

Literature cited by the submitters: PubMed 30194038.